The following is an entry in ClinVar:

ClinVar aggregate classification (germline): Uncertain significance (1 of 4 stars; one submission).

Conditions:
Granulomatous disease, chronic, autosomal recessive, cytochrome b-positive, type 2. Also called: Chronic Granulomatous Disease, Autosomal Recessive, Cytochrome b-Positive, Type II; CGD, AUTOSOMAL RECESSIVE CYTOCHROME b-POSITIVE, TYPE II; GRANULOMATOUS DISEASE, CHRONIC, AUTOSOMAL RECESSIVE, 2; GRANULOMATOUS DISEASE, CHRONIC, DUE TO NCF2 DEFICIENCY; Chronic granulomatous disease due to deficiency of NCF-2. Identifiers: Orphanet 379, MedGen C1856245, MONDO:0009310, OMIM 233710.

Allele frequency attached by ClinVar (database versions not stated): ExAC 0.00002; gnomAD 0.00004 and 0.00005; gnomAD exomes 0.00004 and 0.00005; TOPMed 0.00004.
gnomAD v4.1: 84 of 1,611,174 alleles (0.0052%); highest among the groups gnomAD compares: Non-Finnish European, 0.0065%; no homozygotes.

Submission:

Labcorp Genetics (formerly Invitae), Labcorp
Classification: Uncertain significance for Granulomatous disease, chronic, autosomal recessive, cytochrome b-positive, type 2. Last evaluated: 2021-08-24. Review status: criteria provided, single submitter. Criteria: Invitae Variant Classification Sherloc (09022015). Collection method: clinical testing. Allele origin: germline.
Comment: This sequence change replaces glutamic acid with lysine at codon 340 of the NCF2 protein (p.Glu340Lys). The glutamic acid residue is weakly conserved and there is a small physicochemical difference between glutamic acid and lysine. This variant is present in population databases (rs755689355, ExAC 0.009%). This variant has not been reported in the literature in individuals affected with NCF2-related conditions. Algorithms developed to predict the effect of missense changes on protein structure and function output the following: SIFT: "Tolerated"; PolyPhen-2: "Benign"; Align-GVGD: "Class C0". The lysine amino acid residue is found in multiple mammalian species, which suggests that this missense change does not adversely affect protein function. In summary, the available evidence is currently insufficient to determine the role of this variant in disease. Therefore, it has been classified as a Variant of Uncertain Significance.

NM_000433.4(NCF2):c.1018G>A (p.Glu340Lys)

Gene: NCF2 (neutrophil cytosolic factor 2; minus strand). Cytogenetic location: 1q25.3.
Variant type: single nucleotide variant.
Coding change: c.1018G>A on transcript NM_000433.4 (MANE Select); coding-DNA position 1018, G replaced by A.
Protein change: p.Glu340Lys; replaces glutamic acid 340 with lysine.
Molecular consequence: missense variant.
Genome position (GRCh38, 1-based): chr1:183,564,013, C>T on the plus strand (G>A on the coding strand, the complement: NCF2 is on the minus strand). VCF-style: chr1-183564013-C-T. GRCh37 (hg19) VCF-style: chr1-183533148-C-T.
Other names: c.1018G>A, p.Glu340Lys (NM_001127651.3); c.775G>A, p.Glu259Lys (NM_001190789.2); c.883G>A, p.Glu295Lys (NM_001190794.2); short protein forms E259K, E340K, E295K.
Identifiers: ClinVar variation 963926 (VCV000963926.4), dbSNP rs755689355, ClinGen allele CA1284713.